The following is an entry in ClinVar:

ClinVar aggregate classification (germline): Uncertain significance (1 of 4 stars; one submission).

Submission:

GeneDx
Classification: Uncertain significance. Last evaluated: 2025-07-16. Review status: criteria provided, single submitter. Criteria: GeneDx Variant Classification Process June 2021. Collection method: clinical testing. Allele origin: germline. Affected: yes.
Comment: Not observed at significant frequency in large population cohorts (gnomAD); In silico analysis suggests that this missense variant does not alter protein structure/function; Has not been previously published as pathogenic or benign to our knowledge

NM_001111125.3(IQSEC2):c.2050T>C (p.Cys684Arg)

Gene: IQSEC2 (IQ motif and Sec7 domain ArfGEF 2; minus strand). Cytogenetic location: Xp11.22.
Variant type: single nucleotide variant.
Coding change: c.2050T>C on transcript NM_001111125.3 (MANE Select); coding-DNA position 2050, T replaced by C.
Protein change: p.Cys684Arg; replaces cysteine 684 with arginine.
Molecular consequence: missense variant.
Genome position (GRCh38, 1-based): chrX:53,250,526, A>G on the plus strand (T>C on the coding strand, the complement: IQSEC2 is on the minus strand). VCF-style: chrX-53250526-A-G. GRCh37 (hg19) VCF-style: chrX-53279708-A-G.
Other names: c.2050T>C, p.Cys684Arg (NM_001410736.1, NM_001441092.1); c.1552T>C, p.Cys518Arg (NM_001441093.1); c.1339T>C, p.Cys447Arg (NM_001441094.1, NM_001441095.1); c.1435T>C, p.Cys479Arg (NM_015075.2); short protein forms C447R, C479R, C518R, C684R.
Identifiers: ClinVar variation 4686518 (VCV004686518.1).